The following is an entry in ClinVar:

ClinVar aggregate classification (germline): Uncertain significance (1 of 4 stars; one submission).

Submission:

Labcorp Genetics (formerly Invitae), Labcorp
Classification: Uncertain significance. Last evaluated: 2021-07-10. Review status: criteria provided, single submitter. Criteria: Invitae Variant Classification Sherloc (09022015). Collection method: clinical testing. Allele origin: germline.
Comment: This sequence change replaces serine with cysteine at codon 114 of the IFT27 protein (p.Ser114Cys). The serine residue is moderately conserved and there is a moderate physicochemical difference between serine and cysteine. This variant is not present in population databases (ExAC no frequency). This variant has not been reported in the literature in individuals affected with IFT27-related conditions. Advanced modeling of protein sequence and biophysical properties (such as structural, functional, and spatial information, amino acid conservation, physicochemical variation, residue mobility, and thermodynamic stability) performed at Invitae indicates that this missense variant is not expected to disrupt IFT27 protein function. In summary, the available evidence is currently insufficient to determine the role of this variant in disease. Therefore, it has been classified as a Variant of Uncertain Significance.

NM_001177701.3(IFT27):c.344C>G (p.Ser115Cys)

Genes: CACNG2-DT (CACNG2 divergent transcript; plus strand), IFT27 (intraflagellar transport 27; minus strand). Cytogenetic location: 22q12.3.
Variant type: single nucleotide variant.
Coding change: c.344C>G on transcript NM_001177701.3 (MANE Select); coding-DNA position 344, C replaced by G.
Protein change: p.Ser115Cys; replaces serine 115 with cysteine.
Molecular consequence: missense variant.
Genome position (GRCh38, 1-based): chr22:36,763,927, G>C on the plus strand (C>G on the coding strand, the complement: IFT27 is on the minus strand). VCF-style: chr22-36763927-G-C. GRCh37 (hg19) VCF-style: chr22-37159971-G-C.
Other names: c.344C>G, p.Ser115Cys (NM_001363003.2); c.341C>G, p.Ser114Cys (NM_006860.5); short protein forms S115C, S114C.
Identifiers: ClinVar variation 1412269 (VCV001412269.8), dbSNP rs1436367220, ClinGen allele CA411382530.